The following is an entry in ClinVar:

ClinVar aggregate classification (germline): Likely benign. Review status: criteria provided, single submitter (1 of 4 stars). 2 submissions from 2 submitters: Likely benign (1). 1 of the submissions does not count toward it. Last evaluated 2024-03-01.

Conditions:
IQGAP3-related disorder. Also called: IQGAP3-related condition.

Allele frequency attached by ClinVar (database versions not stated): TOPMed 0.00008; gnomAD 0.00026; gnomAD exomes 0.00036; ExAC 0.00091; 1000 Genomes Project 30x 0.00109; 1000 Genomes Project 0.00120.

Submissions (2):

CeGaT Center for Human Genetics Tuebingen
Classification: Likely benign. Last evaluated: 2024-03-01. Review status: criteria provided, single submitter. Criteria: CeGaT Center For Human Genetics Tuebingen Variant Classification Criteria Version 2. Collection method: clinical testing. Allele origin: germline. Affected: yes. Observed: 1 variant allele.
Comment: IQGAP3: BP4

PreventionGenetics, part of Exact Sciences
Classification: Likely benign for IQGAP3-related condition. Last evaluated: 2019-06-19. Review status: no assertion criteria provided. Collection method: clinical testing. Allele origin: germline. Not counted in ClinVar's aggregate classification.
Comment: This variant is classified as likely benign based on ACMG/AMP sequence variant interpretation guidelines (Richards et al. 2015 PMID: 25741868, with internal and published modifications).

NM_178229.5(IQGAP3):c.1289G>A (p.Gly430Glu)

Gene: IQGAP3 (IQ motif containing GTPase activating protein 3; minus strand). Cytogenetic location: 1q22.
Variant type: single nucleotide variant.
Coding change: c.1289G>A on transcript NM_178229.5 (MANE Select); coding-DNA position 1289, G replaced by A.
Protein change: p.Gly430Glu; replaces glycine 430 with glutamic acid.
Molecular consequence: missense variant.
Genome position (GRCh38, 1-based): chr1:156,556,534, C>T on the plus strand (G>A on the coding strand, the complement: IQGAP3 is on the minus strand). VCF-style: chr1-156556534-C-T. GRCh37 (hg19) VCF-style: chr1-156526326-C-T.
Other names: short protein forms G430E.
Identifiers: ClinVar variation 3042418 (VCV003042418.22), dbSNP rs549517488, ClinGen allele CA1161694.